The following is an entry in ClinVar:

ClinVar aggregate classification (germline): Likely benign (1 of 4 stars; one submission).

Allele frequency attached by ClinVar (database versions not stated): gnomAD 0.00002; TOPMed 0.00001.

Submission:

GeneDx
Classification: Likely benign. Last evaluated: 2016-08-17. Review status: criteria provided, single submitter. Criteria: GeneDx Variant Classification (06012015). Collection method: clinical testing. Allele origin: germline. Affected: yes.
Comment: This variant is considered likely benign or benign based on one or more of the following criteria: it is a conservative change, it occurs at a poorly conserved position in the protein, it is predicted to be benign by multiple in silico algorithms, and/or has population frequency not consistent with disease.

NM_182916.3(TRNT1):c.-47C>T

Genes: TRNT1 (tRNA nucleotidyl transferase 1; plus strand), LOC129936047 (ATAC-STARR-seq lymphoblastoid silent region 14009; plus strand). Cytogenetic location: 3p26.2.
Variant type: single nucleotide variant.
Coding change: c.-47C>T on transcript NM_182916.3 (MANE Select); 47 bases upstream of the start codon, C replaced by T.
Molecular consequence: 5 prime UTR variant. On other transcripts: non-coding transcript variant (11).
Genome position (GRCh38, 1-based): chr3:3,126,971, C>T. VCF-style: chr3-3126971-C-T. GRCh37 (hg19) VCF-style: chr3-3168655-C-T.
Other names: c.-47C>T (NM_001302946.2, NM_001367321.1); c.-346C>T (NM_001367322.1); c.-1075C>T (NM_001367323.1).
Identifiers: ClinVar variation 388658 (VCV000388658.1), dbSNP rs1057523189, ClinGen allele CA16604408.